The following is an entry in ClinVar:

ClinVar aggregate classification (germline): Pathogenic (1 of 4 stars; one submission).

Conditions:
Glycine encephalopathy 2 (GCE2). Identifiers: MedGen C5830559, MONDO:0958192, OMIM 620398.

Submission:

Myriad Genetics, Inc.
Classification: Pathogenic for Glycine encephalopathy 2. Last evaluated: 2026-02-02. Review status: criteria provided, single submitter. Criteria: Myriad Autosomal Dominant, Autosomal Recessive and X-Linked Classification Criteria (2023). Collection method: clinical testing. Allele origin: unknown.
Comment: NM_000481.3(AMT):c.784delG(D262Tfs*51) is a frameshift variant classified as pathogenic in the context of glycine encephalopathy, AMT-related. D262Tfs*51 has not been observed in cases with relevant disease. Relevant functional assessments of this variant are not available in the literature. D262Tfs*51 has not been observed in referenced population frequency databases. In summary, NM_000481.3(AMT):c.784delG(D262Tfs*51) is a frameshift variant in a gene where loss of function is a known mechanism of disease and is predicted to disrupt protein function. Please note: this variant was assessed in the context of healthy population screening.

NM_000481.4(AMT):c.784del (p.Asp262fs)

Gene: AMT (aminomethyltransferase; minus strand). Cytogenetic location: 3p21.31.
Variant type: Deletion.
Coding change: c.784del on transcript NM_000481.4 (MANE Select); coding-DNA position 784, one base deleted (G; older notation c.784delG).
Protein change: p.Asp262fs; shifts the reading frame from aspartic acid 262.
Molecular consequence: frameshift variant. On other transcripts: non-coding transcript variant (1).
Genome position (GRCh38, 1-based): chr3:49,419,064, C deleted on the plus strand (G on the coding strand, the reverse complement: AMT is on the minus strand); the first of 3 consecutive C bases (chr3:49,419,064-49,419,066); deleting any one gives the same sequence. VCF-style (leftmost placement, unchanged base first): chr3-49419063-TC-T. GRCh37 (hg19) VCF-style: chr3-49456496-TC-T.
Other names: c.652del, p.Asp218fs (NM_001164710.2); c.616del, p.Asp206fs (NM_001164711.2); c.784del, p.Asp262fs (NM_001164712.2); short protein forms D218fs, D206fs, D262fs.
Identifiers: ClinVar variation 5003825 (VCV005003825.1).
Genomic context (GRCh38, chr3:49,419,063, plus strand): 5'-GTAGTGTGTTCATCAATGTCATTCCCATACAGGCAGAGGCCTGCCTCCAGGCGCAGGCTG[TC>T]CCTGGCTGCCAGCCCTGCCAGCTTCACCTCTGGGTTTTTCAGAATAGCTGTTGCCAGGTG-3'